The following is an entry in ClinVar:

NM_006164.5(NFE2L2):c.529T>G (p.Leu177Val)

Gene: NFE2L2 (NFE2 like bZIP transcription factor 2; minus strand). Cytogenetic location: 2q31.2.
Variant type: single nucleotide variant.
Coding change: c.529T>G on transcript NM_006164.5 (MANE Select); coding-DNA position 529, T replaced by G.
Protein change: p.Leu177Val; replaces leucine 177 with valine.
Molecular consequence: missense variant.
Genome position (GRCh38, 1-based): chr2:177,232,457, A>C on the plus strand (T>G on the coding strand, the complement: NFE2L2 is on the minus strand). VCF-style: chr2-177232457-A-C. GRCh37 (hg19) VCF-style: chr2-178097185-A-C.
Other names: c.481T>G, p.Leu161Val (NM_001145412.3, NM_001313900.1, NM_001313901.1); c.460T>G, p.Leu154Val (NM_001145413.3); c.439T>G, p.Leu147Val (NM_001313902.2); c.310T>G, p.Leu104Val (NM_001313903.2); c.229T>G, p.Leu77Val (NM_001313904.1); short protein forms L161V, L154V, L177V, L104V, L147V, L77V.
Identifiers: ClinVar variation 134901 (VCV000134901.13), dbSNP rs35577826, ClinGen allele CA161117.

ClinVar aggregate classification (germline): Benign/Likely benign. Review status: criteria provided, multiple submitters, no conflicts (2 of 4 stars). 4 submissions from 4 submitters: Benign (1); Likely benign (1). 2 of the submissions do not count toward it. Last evaluated 2026-02-01.

Allele frequency attached by ClinVar (database versions not stated): gnomAD exomes 0.00018 and 0.00046; ExAC 0.00050; 1000 Genomes Project 0.00100; 1000 Genomes Project 30x 0.00125; gnomAD 0.00183 and 0.00197; ESP Exome Variant Server 0.00191; TOPMed 0.00214.
gnomAD v4.1: 539 of 1,614,130 alleles (0.033%); highest among the groups gnomAD compares: African/African-American, 0.67%; 2 homozygotes.

Submissions (4):

Labcorp Genetics (formerly Invitae), Labcorp
Classification: Benign. Last evaluated: 2026-02-01. Review status: criteria provided, single submitter. Criteria: Invitae Variant Classification Sherloc (09022015). Collection method: clinical testing. Allele origin: germline.

Blueprint Genetics
Classification: Likely benign. Last evaluated: 2024-10-03. Review status: criteria provided, single submitter. Criteria: ACMG Guidelines, 2015. Collection method: clinical testing. Allele origin: germline.

ITMI
No classification provided. Condition: AllHighlyPenetrant. Last evaluated: 2013-09-19. Review status: no classification provided. Collection method: reference population. Allele origin: germline. Not counted in ClinVar's aggregate classification.
Comment: Please see associated publication for description of ethnicities

Department of Pathology and Laboratory Medicine, Sinai Health System
Classification: Benign. Review status: no assertion criteria provided. Collection method: clinical testing. Allele origin: unknown. Affected: yes. Study: The Canadian Open Genetics Repository (COGR). Not counted in ClinVar's aggregate classification.
Comment: The NFE2L2 p.L177V variant was identified in 1/1362 proband chromosomes (allele frequency: 0.0007) from a healthy population (Bodian_2014_PMID: 24728327). The variant was identified in dbSNP (ID: rs35577826) and ClinVar (classified as benign by Invitae). The variant was identified in control databases in 174 of 280318 chromosomes (0 homozygous) at a frequency of 0.0006207, and was observed at the highest frequency in the African population in 169 of 24140 chromosomes (freq: 0.007001) (Genome Aggregation Database March 6, 2019, v2.1.1). This frequency is greater than expected for the rare, autosomal dominant immunodeficiency, developmental delay, and hypohomocysteinemia condition associated with NFE2L2 variants. The p.L177 residue is not conserved in mammals and computational analyses (MUT Assesor, PolyPhen-2, SIFT, MutationTaster, Revel, FATHMM, MetaLR, DANN) do not suggest a high likelihood of impact to the protein; this information is not predictive enough to rule out pathogenicity. The variant occurs outside of the splicing consensus sequence and in silico or computational prediction software programs (Splice AI exome) do not predict an effect on splicing. In summary, based on the above information this variant meets our laboratory's criteria to be classified as benign.

Literature cited by the submitters: PubMed 24728327 (cited by ITMI).